The following is an entry in ClinVar:

ClinVar aggregate classification (germline): Uncertain significance (1 of 4 stars; one submission).

Conditions:
Hereditary cancer-predisposing syndrome. Also called: Neoplastic Syndromes, Hereditary; Tumor predisposition; Hereditary Cancer Syndrome; Hereditary neoplastic syndrome. Identifiers: Orphanet 140162, MedGen C0027672, MeSH D009386, MONDO:0015356.

Submission:

Ambry Genetics
Classification: Uncertain significance for Hereditary cancer-predisposing syndrome. Last evaluated: 2020-12-03. Review status: criteria provided, single submitter. Criteria: Ambry Variant Classification Scheme 2023. Collection method: clinical testing. Allele origin: germline.
Comment: The p.S534T variant (also known as c.1600T>A), located in coding exon 4 of the PALB2 gene, results from a T to A substitution at nucleotide position 1600. The serine at codon 534 is replaced by threonine, an amino acid with similar properties. This amino acid position is not well conserved in available vertebrate species. In addition, this alteration is predicted to be tolerated by in silico analysis. Since supporting evidence is limited at this time, the clinical significance of this alteration remains unclear.

NM_024675.4(PALB2):c.1600T>A (p.Ser534Thr)

Gene: PALB2 (partner and localizer of BRCA2; minus strand). Cytogenetic location: 16p12.2.
Variant type: single nucleotide variant.
Coding change: c.1600T>A on transcript NM_024675.4 (MANE Select); coding-DNA position 1600, T replaced by A.
Protein change: p.Ser534Thr; replaces serine 534 with threonine.
Molecular consequence: missense variant.
Genome position (GRCh38, 1-based): chr16:23,634,946, A>T on the plus strand (T>A on the coding strand, the complement: PALB2 is on the minus strand). VCF-style: chr16-23634946-A-T. GRCh37 (hg19) VCF-style: chr16-23646267-A-T.
Other names: c.715T>A, p.Ser239Thr (NM_001407311.1, NM_001407304.1, NM_001407305.1 and 5 more transcripts); c.1540T>A, p.Ser514Thr (NM_001407296.1); c.1600T>A, p.Ser534Thr (NM_001407297.1, NM_001407298.1, NM_001407299.1 and 3 more transcripts); short protein forms S514T, S534T, S239T.
Identifiers: ClinVar variation 1776177 (VCV001776177.2), dbSNP rs1064793824, ClinGen allele CA395130528.
Genomic context (GRCh38, chr16:23,634,946, plus strand): 5'-CGTGCTGATATTTGTGTGAGGTGACTTCTTCCTTGGACCTGTTAACAATCGACAGGCTAG[A>T]AGTTGGCAAAAGTGGTTCACAATGATCTGATGCTGGGGTGCAGGCTGATTTTCTTTTTCC-3'
Protein context (NP_078951.2, residues 524-544): SDHCEPLLPT[Ser534Thr]SLSIVNRSKE